The following is an entry in ClinVar:

NM_002439.5(MSH3):c.2290A>G (p.Ile764Val)

Gene: MSH3 (mutS homolog 3; plus strand). Cytogenetic location: 5q14.1.
Variant type: single nucleotide variant.
Coding change: c.2290A>G on transcript NM_002439.5 (MANE Select); coding-DNA position 2290, A replaced by G.
Protein change: p.Ile764Val; replaces isoleucine 764 with valine.
Molecular consequence: missense variant.
Genome position (GRCh38, 1-based): chr5:80,775,730, A>G. VCF-style: chr5-80775730-A-G. GRCh37 (hg19) VCF-style: chr5-80071549-A-G.
Other names: c.2290A>G (NM_002439.4); short protein forms I764V.
Identifiers: ClinVar variation 1034546 (VCV001034546.13), dbSNP rs146657445, ClinGen allele CA121325867.
Genomic context (GRCh38, chr5:80,775,730, plus strand): 5'-TCTGTTTATTTGTATTTGTTTTAGTTTATGATAGAAATAAAGAACTCTGCTGTATCTTGT[A>G]TACCAACTGATTGGGTAAAGGTTGGAAGGTAGGTTTAAAATAAATTTTTTTCTTACAATG-3'
Protein context (NP_002430.3, residues 754-774): IEIKNSAVSC[Ile764Val]PTDWVKVGST

ClinVar aggregate classification (germline): Uncertain significance. Review status: criteria provided, multiple submitters, no conflicts (2 of 4 stars). 4 submissions from 4 submitters: Uncertain significance (4). Last evaluated 2024-08-01.

Conditions:
Hereditary cancer-predisposing syndrome. Also called: Hereditary neoplastic syndrome; Neoplastic Syndromes, Hereditary; Tumor predisposition; Hereditary Cancer Syndrome. Identifiers: Orphanet 140162, MedGen C0027672, MeSH D009386, MONDO:0015356.
Familial adenomatous polyposis 4 (FAP4). Also called: MSH3-related attenuated familial adenomatous polyposis. Identifiers: Orphanet 480536, MedGen C4310719, MONDO:0044300, OMIM 617100.
Endometrial carcinoma. Also called: Endometrial carcinoma, somatic. Identifiers: MedGen C0476089, MONDO:0002447, OMIM 608089, HP:0012114.

gnomAD v4.1: 4 of 1,588,752 alleles (0.00025%); highest among the groups gnomAD compares: Non-Finnish European, 0.00026%; no homozygotes.

Submissions (4):

Labcorp Genetics (formerly Invitae), Labcorp
Classification: Uncertain significance. Last evaluated: 2024-08-01. Review status: criteria provided, single submitter. Criteria: Invitae Variant Classification Sherloc (09022015). Collection method: clinical testing. Allele origin: germline.
Comment: This sequence change replaces isoleucine, which is neutral and non-polar, with valine, which is neutral and non-polar, at codon 764 of the MSH3 protein (p.Ile764Val). This variant is present in population databases (rs146657445, gnomAD 0.007%). This variant has not been reported in the literature in individuals affected with MSH3-related conditions. ClinVar contains an entry for this variant (Variation ID: 1034546). An algorithm developed to predict the effect of missense changes on protein structure and function outputs the following: PolyPhen-2: "Benign". The valine amino acid residue is found in multiple mammalian species, which suggests that this missense change does not adversely affect protein function. In summary, the available evidence is currently insufficient to determine the role of this variant in disease. Therefore, it has been classified as a Variant of Uncertain Significance.

Department of Pathology and Laboratory Medicine, Sinai Health System
Classification: Uncertain significance for Familial adenomatous polyposis 4. Last evaluated: 2024-01-29. Review status: criteria provided, single submitter. Criteria: ACMG Guidelines, 2015. Collection method: clinical testing. Allele origin: germline. Affected: yes.

Baylor Genetics
Classification: Uncertain significance for Endometrial carcinoma. Last evaluated: 2023-10-20. Review status: criteria provided, single submitter. Criteria: ACMG Guidelines, 2015. Collection method: clinical testing. Allele origin: unknown.

Ambry Genetics
Classification: Uncertain significance for Hereditary cancer-predisposing syndrome. Last evaluated: 2023-10-09. Review status: criteria provided, single submitter. Criteria: Ambry Variant Classification Scheme 2023. Collection method: clinical testing. Allele origin: germline.
Comment: The p.I764V variant (also known as c.2290A>G), located in coding exon 16 of the MSH3 gene, results from an A to G substitution at nucleotide position 2290. The isoleucine at codon 764 is replaced by valine, an amino acid with highly similar properties. This amino acid position is not well conserved in available vertebrate species. In addition, this alteration is predicted to be tolerated by in silico analysis. Since supporting evidence is limited at this time, the clinical significance of this alteration remains unclear.